The following is an entry in ClinVar:

ClinVar aggregate classification (germline): Likely benign (0 of 4 stars; one submission).

Conditions:
POLR3A-related disorder. Also called: POLR3A-related condition; POLR3A-related disorders. Identifiers: MedGen CN378587, MONDO:0700276.

Allele frequency attached by ClinVar (database versions not stated): gnomAD exomes below 0.00001; TOPMed below 0.00001.
gnomAD v4.1: 2 of 1,614,122 alleles (0.00012%); highest among the groups gnomAD compares: African/African-American, 0.0027%; no homozygotes.

Submission:

PreventionGenetics, part of Exact Sciences
Classification: Likely benign for POLR3A-related condition. Last evaluated: 2023-09-19. Review status: no assertion criteria provided. Collection method: clinical testing. Allele origin: germline.
Comment: This variant is classified as likely benign based on ACMG/AMP sequence variant interpretation guidelines (Richards et al. 2015 PMID: 25741868, with internal and published modifications).

NM_007055.4(POLR3A):c.399C>T (p.Gly133=)

Genes: POLR3A (RNA polymerase III subunit A; minus strand), LOC126860971 (CDK7 strongly-dependent group 2 enhancer GRCh37_chr10:79784551-79785750; plus strand). Cytogenetic location: 10q22.3.
Variant type: single nucleotide variant.
Coding change: c.399C>T on transcript NM_007055.4 (MANE Select); coding-DNA position 399, C replaced by T.
Protein change: p.Gly133=; no amino-acid change (glycine 133 retained).
Molecular consequence: synonymous variant.
Genome position (GRCh38, 1-based): chr10:78,025,062, G>A on the plus strand (C>T on the coding strand, the complement: POLR3A is on the minus strand). VCF-style: chr10-78025062-G-A. GRCh37 (hg19) VCF-style: chr10-79784820-G-A.
Identifiers: ClinVar variation 3029226 (VCV003029226.2), dbSNP rs927423608, ClinGen allele CA210227261.